The following is an entry in ClinVar:

ClinVar aggregate classification (germline): Uncertain significance (1 of 4 stars; one submission).

Allele frequency attached by ClinVar (database versions not stated): TOPMed below 0.00001.

Submission:

Labcorp Genetics (formerly Invitae), Labcorp
Classification: Uncertain significance. Last evaluated: 2022-08-31. Review status: criteria provided, single submitter. Criteria: Invitae Variant Classification Sherloc (09022015). Collection method: clinical testing. Allele origin: germline.
Comment: This variant has not been reported in the literature in individuals affected with RTTN-related conditions. Algorithms developed to predict the effect of missense changes on protein structure and function (SIFT, PolyPhen-2, Align-GVGD) all suggest that this variant is likely to be tolerated. In summary, the available evidence is currently insufficient to determine the role of this variant in disease. Therefore, it has been classified as a Variant of Uncertain Significance. This sequence change replaces serine, which is neutral and polar, with arginine, which is basic and polar, at codon 596 of the RTTN protein (p.Ser596Arg). This variant is not present in population databases (gnomAD no frequency).

NM_173630.4(RTTN):c.1788C>G (p.Ser596Arg)

Gene: RTTN (rotatin; minus strand). Cytogenetic location: 18q22.2.
Variant type: single nucleotide variant.
Coding change: c.1788C>G on transcript NM_173630.4 (MANE Select); coding-DNA position 1788, C replaced by G.
Protein change: p.Ser596Arg; replaces serine 596 with arginine.
Molecular consequence: missense variant. On other transcripts: 5 prime UTR variant (1).
Genome position (GRCh38, 1-based): chr18:70,166,933, G>C on the plus strand (C>G on the coding strand, the complement: RTTN is on the minus strand). VCF-style: chr18-70166933-G-C. GRCh37 (hg19) VCF-style: chr18-67834169-G-C.
Other names: c.-860C>G (NM_001318520.2); short protein forms S596R.
Identifiers: ClinVar variation 2051397 (VCV002051397.4), dbSNP rs1312987054, ClinGen allele CA402697597.